The following is an entry in ClinVar:

NM_000554.6(CRX):c.*1046C>T

Gene: CRX (cone-rod homeobox; plus strand). Cytogenetic location: 19q13.33.
Variant type: single nucleotide variant.
Coding change: c.*1046C>T on transcript NM_000554.6 (MANE Select); 1046 bases downstream of the stop codon, C replaced by T.
Molecular consequence: 3 prime UTR variant.
Genome position (GRCh38, 1-based): chr19:47,841,013, C>T. VCF-style: chr19-47841013-C-T. GRCh37 (hg19) VCF-style: chr19-48344270-C-T.
Identifiers: ClinVar variation 329733 (VCV000329733.6), dbSNP rs62128808, ClinGen allele CA10648905.

ClinVar aggregate classification (germline): Benign. Review status: criteria provided, multiple submitters, no conflicts (2 of 4 stars). 4 submissions from 2 submitters: Benign (4). Last evaluated 2018-01-13.

Conditions:
Retinitis pigmentosa (RP). Identifiers: Orphanet 791, MedGen C0035334, MeSH D012174, MONDO:0019200, OMIM 268000. Inheritance: Autosomal dominant, autosomal recessive and X linked inheritance.
Leber congenital amaurosis 7 (LCA7). Identifiers: Orphanet 65, MedGen C3151192, MONDO:0013449, OMIM 613829.
Cone-rod dystrophy 2 (CORD2). Also called: CONE-ROD RETINAL DYSTROPHY; Cone-rod retinal dystrophy 2. Identifiers: Orphanet 1872, MedGen C3489532, MONDO:0007362, OMIM 120970.

Allele frequency attached by ClinVar (database versions not stated): 1000 Genomes Project 0.06949; 1000 Genomes Project 30x 0.06949; TOPMed 0.11109; gnomAD 0.12187 and 0.12194.

Submissions (4):

Illumina Laboratory Services, Illumina
Classification: Benign for Cone-rod dystrophy 2. Last evaluated: 2018-01-13. Review status: criteria provided, single submitter. Criteria: ICSL Variant Classification Criteria 13 December 2019. Collection method: clinical testing. Allele origin: germline.
Comment: This variant was observed in the ICSL laboratory as part of a predisposition screen in an ostensibly healthy population. It had not been previously curated by ICSL or reported in the Human Gene Mutation Database (HGMD: prior to June 1st, 2018), and was therefore a candidate for classification through an automated scoring system. Utilizing variant allele frequency, disease prevalence and penetrance estimates, and inheritance mode, an automated score was calculated to assess if this variant is too frequent to cause the disease. Based on the score and internal cut-off values, a variant classified as benign is not then subjected to further curation. The score for this variant resulted in a classification of benign for this disease.

Illumina Laboratory Services, Illumina
Classification: Benign for Retinitis pigmentosa. Last evaluated: 2018-01-13. Review status: criteria provided, single submitter. Criteria: ICSL Variant Classification Criteria 13 December 2019. Collection method: clinical testing. Allele origin: germline.
Comment: the same text as in the submission from Illumina Laboratory Services, Illumina above.

Illumina Laboratory Services, Illumina
Classification: Benign for Leber congenital amaurosis 7. Last evaluated: 2018-01-13. Review status: criteria provided, single submitter. Criteria: ICSL Variant Classification Criteria 13 December 2019. Collection method: clinical testing. Allele origin: germline.
Comment: the same text as in the submission from Illumina Laboratory Services, Illumina above.

Breakthrough Genomics
Classification: Benign. Review status: criteria provided, single submitter. Criteria: ACMG Guidelines, 2015. Collection method: not provided. Allele origin: germline. Inheritance: Autosomal dominant inheritance. Affected: yes.